The following is an entry in ClinVar:

ClinVar aggregate classification (germline): Pathogenic (1 of 4 stars; one submission).

Conditions:
Congenital sideroblastic anemia-B-cell immunodeficiency-periodic fever-developmental delay syndrome. Also called: Sideroblastic anemia with B-cell immunodeficiency, periodic fevers, and developmental delay. Identifiers: Orphanet 369861, MedGen C4015172, MONDO:0014487, OMIM 616084.

Submission:

Labcorp Genetics (formerly Invitae), Labcorp
Classification: Pathogenic for Congenital sideroblastic anemia-B-cell immunodeficiency-periodic fever-developmental delay syndrome. Last evaluated: 2025-01-23. Review status: criteria provided, single submitter. Criteria: Invitae Variant Classification Sherloc (09022015). Collection method: clinical testing. Allele origin: germline.
Comment: This sequence change creates a premature translational stop signal (p.Val327Leufs*7) in the TRNT1 gene. It is expected to result in an absent or disrupted protein product. Loss-of-function variants in TRNT1 are known to be pathogenic (PMID: 25193871). This variant is not present in population databases (gnomAD no frequency). This variant has not been reported in the literature in individuals affected with TRNT1-related conditions. For these reasons, this variant has been classified as Pathogenic.

Literature cited by the submitters: PubMed 25193871.

NM_182916.3(TRNT1):c.979del (p.Val327fs)

Gene: TRNT1 (tRNA nucleotidyl transferase 1; plus strand). Cytogenetic location: 3p26.2.
Variant type: Deletion.
Coding change: c.979del on transcript NM_182916.3 (MANE Select); coding-DNA position 979, one base deleted (G; older notation c.979delG).
Protein change: p.Val327fs; shifts the reading frame from valine 327.
Molecular consequence: frameshift variant. On other transcripts: non-coding transcript variant (8).
Genome position (GRCh38, 1-based): chr3:3,147,626, G deleted. VCF-style (leftmost placement, unchanged base first): chr3-3147625-AG-A. GRCh37 (hg19) VCF-style: chr3-3189309-AG-A.
Other names: c.919del, p.Val307fs (NM_001302946.2); c.979del, p.Val327fs (NM_001367321.1, NM_001367322.1, NM_001367323.1); short protein forms V327fs, V307fs.
Identifiers: ClinVar variation 3690813 (VCV003690813.2).